The following is an entry in ClinVar:

ClinVar aggregate classification (germline): Conflicting classifications of pathogenicity. Review status: criteria provided, conflicting classifications (1 of 4 stars). 7 submissions from 7 submitters: Uncertain significance (6); Likely benign (1). Last evaluated 2026-01-28.

Conditions:
Classic or attenuated familial adenomatous polyposis. Identifiers: MedGen CN372698, MONDO:0021057.
Hereditary cancer-predisposing syndrome. Also called: Neoplastic Syndromes, Hereditary; Tumor predisposition; Hereditary Cancer Syndrome; Hereditary neoplastic syndrome. Identifiers: Orphanet 140162, MedGen C0027672, MeSH D009386, MONDO:0015356.
Familial adenomatous polyposis 1 (FAP1). Also called: FAMILIAL ADENOMATOUS POLYPOSIS 1, ATTENUATED; POLYPOSIS, ADENOMATOUS INTESTINAL. Identifiers: MedGen C2713442, MONDO:0021056, OMIM 175100. Disease mechanism: loss of function.

Allele frequency attached by ClinVar (database versions not stated): gnomAD exomes 0.00001; TOPMed 0.00001; ExAC 0.00002; ESP Exome Variant Server 0.00008.
gnomAD v4.1: 9 of 1,614,086 alleles (0.00056%); highest among the groups gnomAD compares: African/African-American, 0.0027%; no homozygotes.

Submissions (7):

Labcorp Genetics (formerly Invitae), Labcorp
Classification: Uncertain significance for Familial adenomatous polyposis 1. Last evaluated: 2026-01-28. Review status: criteria provided, single submitter. Criteria: Invitae Variant Classification Sherloc (09022015). Collection method: clinical testing. Allele origin: germline.
Comment: This sequence change replaces alanine, which is neutral and non-polar, with glycine, which is neutral and non-polar, at codon 604 of the APC protein (p.Ala604Gly). This variant is present in population databases (rs370955311, gnomAD 0.007%). This variant has not been reported in the literature in individuals affected with APC-related conditions. ClinVar contains an entry for this variant (Variation ID: 233794). Invitae Evidence Modeling of protein sequence and biophysical properties (such as structural, functional, and spatial information, amino acid conservation, physicochemical variation, residue mobility, and thermodynamic stability) indicates that this missense variant is not expected to disrupt APC protein function with a negative predictive value of 95%. RNA analysis performed to evaluate the impact of this missense change on mRNA splicing indicates it does not significantly alter splicing (internal data). In summary, the available evidence is currently insufficient to determine the role of this variant in disease. Therefore, it has been classified as a Variant of Uncertain Significance.

Ambry Genetics
Classification: Likely benign for Hereditary cancer-predisposing syndrome. Last evaluated: 2025-09-15. Review status: criteria provided, single submitter. Criteria: Ambry Variant Classification Scheme 2023. Collection method: clinical testing. Allele origin: germline.

All of Us Research Program, National Institutes of Health
Classification: Uncertain significance for Classic or attenuated familial adenomatous polyposis. Last evaluated: 2024-07-29. Review status: criteria provided, single submitter. Criteria: ACMG Guidelines, 2015. Collection method: clinical testing. Allele origin: germline. Inheritance: Autosomal dominant inheritance. Observed: 3 variant alleles, 3 heterozygotes.
Comment: This missense variant replaces alanine with glycine at codon 604 of the APC protein. Computational prediction suggests that this variant may not impact protein structure and function (internally defined REVEL score threshold <= 0.5, PMID: 27666373). To our knowledge, functional studies have not been reported for this variant. This variant has not been reported in individuals affected with APC-related disorders in the literature. This variant has been identified in 2/251270 chromosomes in the general population by the Genome Aggregation Database (gnomAD). The available evidence is insufficient to determine the role of this variant in disease conclusively. Therefore, this variant is classified as a Variant of Uncertain Significance.

This study involves interpretation of variants in research participants for the purpose of population health screening. Participant phenotype was not available at the time of variant classification. Additional details can be found in publication PMID: 35346344, PMCID: PMC8962531

Color Diagnostics, LLC DBA Color Health
Classification: Uncertain significance for Hereditary cancer-predisposing syndrome. Last evaluated: 2024-03-06. Review status: criteria provided, single submitter. Criteria: ACMG Guidelines, 2015. Collection method: clinical testing. Allele origin: germline.
Comment: This missense variant replaces alanine with glycine at codon 604 of the APC protein. Computational prediction suggests that this variant may not impact protein structure and function (internally defined REVEL score threshold <= 0.5, PMID: 27666373). To our knowledge, functional studies have not been reported for this variant. This variant has not been reported in individuals affected with APC-related disorders in the literature. This variant has been identified in 2/251270 chromosomes in the general population by the Genome Aggregation Database (gnomAD). The available evidence is insufficient to determine the role of this variant in disease conclusively. Therefore, this variant is classified as a Variant of Uncertain Significance.

Women's Health and Genetics/Laboratory Corporation of America, LabCorp
Classification: Uncertain significance. Last evaluated: 2023-10-08. Review status: criteria provided, single submitter. Criteria: LabCorp Variant Classification Summary - May 2015. Collection method: clinical testing. Allele origin: germline.

Baylor Genetics
Classification: Uncertain significance for Familial adenomatous polyposis 1. Last evaluated: 2023-08-05. Review status: criteria provided, single submitter. Criteria: ACMG Guidelines, 2015. Collection method: clinical testing. Allele origin: unknown.

GeneDx
Classification: Uncertain significance. Last evaluated: 2020-03-10. Review status: criteria provided, single submitter. Criteria: GeneDx Variant Classification Process June 2021. Collection method: clinical testing. Allele origin: germline. Affected: yes.
Comment: In silico analysis supports that this missense variant has a deleterious effect on protein structure/function; Has not been previously published as pathogenic or benign to our knowledge

NM_000038.6(APC):c.1811C>G (p.Ala604Gly)

Gene: APC (APC regulator of Wnt signaling pathway; plus strand). Cytogenetic location: 5q22.2.
Variant type: single nucleotide variant.
Coding change: c.1811C>G on transcript NM_000038.6 (MANE Select); coding-DNA position 1811, C replaced by G.
Protein change: p.Ala604Gly; replaces alanine 604 with glycine.
Molecular consequence: missense variant.
Genome position (GRCh38, 1-based): chr5:112,835,018, C>G. VCF-style: chr5-112835018-C-G. GRCh37 (hg19) VCF-style: chr5-112170715-C-G.
Other names: c.1811C>G, p.Ala604Gly (NM_001127510.3, NM_001354895.2); c.1757C>G, p.Ala586Gly (NM_001127511.3); c.1865C>G, p.Ala622Gly (NM_001354896.2); c.1841C>G, p.Ala614Gly (NM_001354897.2); c.1736C>G, p.Ala579Gly (NM_001354898.2); c.1727C>G, p.Ala576Gly (NM_001354899.2); c.1688C>G, p.Ala563Gly (NM_001354900.2); c.1634C>G, p.Ala545Gly (NM_001354901.2); and 5 more; short protein forms A586G, A604G, A503G, A579G, A622G, A321G, A444G, A576G.
Identifiers: ClinVar variation 233794 (VCV000233794.27), dbSNP rs370955311, ClinGen allele CA029588.
Genomic context (GRCh38, chr5:112,835,018, plus strand): 5'-CCCTCAAAAGCGTATTGAGTGCCTTATGGAATTTGTCAGCACATTGCACTGAGAATAAAG[C>G]TGATATATGTGCTGTAGATGGTGCACTTGCATTTTTGGTTGGCACTCTTACTTACCGGAG-3'
Protein context (NP_000029.2, residues 594-614): NLSAHCTENK[Ala604Gly]DICAVDGALA